The following is an entry in ClinVar:

NM_033004.4(NLRP1):c.2114C>T (p.Pro705Leu)

Gene: NLRP1 (NLR family pyrin domain containing 1; minus strand). Cytogenetic location: 17p13.2.
Variant type: single nucleotide variant.
Coding change: c.2114C>T on transcript NM_033004.4 (MANE Select); coding-DNA position 2114, C replaced by T.
Protein change: p.Pro705Leu; replaces proline 705 with leucine.
Molecular consequence: missense variant.
Genome position (GRCh38, 1-based): chr17:5,558,582, G>A on the plus strand (C>T on the coding strand, the complement: NLRP1 is on the minus strand). VCF-style: chr17-5558582-G-A. GRCh37 (hg19) VCF-style: chr17-5461902-G-A.
Other names: c.2114C>T (NM_033004.3); c.2114C>T, p.Pro705Leu (NM_001033053.3, NM_014922.5, NM_033006.4 and 1 more transcripts); short protein forms P705L.
Identifiers: ClinVar variation 2039320 (VCV002039320.29), dbSNP rs776100273, ClinGen allele CA8327256.

ClinVar aggregate classification (germline): Uncertain significance. Review status: criteria provided, multiple submitters, no conflicts (2 of 4 stars). 3 submissions from 3 submitters: Uncertain significance (3). Last evaluated 2025-08-12.

Conditions:
Inborn genetic diseases. Identifiers: MedGen C0950123, MeSH D030342.

Allele frequency attached by ClinVar (database versions not stated): ExAC 0.00001; gnomAD 0.00002; gnomAD exomes 0.00002; TOPMed 0.00003.
gnomAD v4.1: 32 of 1,613,894 alleles (0.002%); highest among the groups gnomAD compares: African/African-American, 0.0027%; no homozygotes.

Submissions (3):

Ambry Genetics
Classification: Uncertain significance for Inborn genetic diseases. Last evaluated: 2025-08-12. Review status: criteria provided, single submitter. Criteria: Ambry Variant Classification Scheme 2023. Collection method: clinical testing. Allele origin: germline.

Labcorp Genetics (formerly Invitae), Labcorp
Classification: Uncertain significance. Last evaluated: 2024-11-25. Review status: criteria provided, single submitter. Criteria: Invitae Variant Classification Sherloc (09022015). Collection method: clinical testing. Allele origin: germline.
Comment: This sequence change replaces proline, which is neutral and non-polar, with leucine, which is neutral and non-polar, at codon 705 of the NLRP1 protein (p.Pro705Leu). This variant is present in population databases (rs776100273, gnomAD 0.004%). This variant has not been reported in the literature in individuals affected with NLRP1-related conditions. ClinVar contains an entry for this variant (Variation ID: 2039320). An algorithm developed to predict the effect of missense changes on protein structure and function outputs the following: PolyPhen-2: "Benign". The leucine amino acid residue is found in multiple mammalian species, which suggests that this missense change does not adversely affect protein function. In summary, the available evidence is currently insufficient to determine the role of this variant in disease. Therefore, it has been classified as a Variant of Uncertain Significance.

CeGaT Center for Human Genetics Tuebingen
Classification: Uncertain significance. Last evaluated: 2023-01-01. Review status: criteria provided, single submitter. Criteria: CeGaT Center For Human Genetics Tuebingen Variant Classification Criteria Version 2. Collection method: clinical testing. Allele origin: germline. Affected: yes. Observed: 1 variant allele.